The following is an entry in ClinVar:

ClinVar aggregate classification (germline): Uncertain significance (1 of 4 stars; one submission).

Submission:

Labcorp Genetics (formerly Invitae), Labcorp
Classification: Uncertain significance. Last evaluated: 2022-07-19. Review status: criteria provided, single submitter. Criteria: Invitae Variant Classification Sherloc (09022015). Collection method: clinical testing. Allele origin: germline.
Comment: A copy number gain of the genomic region encompassing the full coding sequence of the AMER1 gene has been identified. The boundaries of this event are unknown as they extend beyond the assayed region for this gene and therefore may encompass additional genes. As the precise location of this event is unknown, it may be in tandem or it may be located elsewhere in the genome. This variant has not been reported in the literature in individuals affected with AMER1-related conditions. Experimental studies and prediction algorithms are not available or were not evaluated, and the functional significance of this variant is currently unknown. In summary, the available evidence is currently insufficient to determine the role of this variant in disease. Therefore, it has been classified as a Variant of Uncertain Significance.

NC_000023.10:g.(?_63409759)_(63413166_?)dup

Gene: AMER1 (APC membrane recruitment protein 1; minus strand). Cytogenetic location: Xq11.2.
Variant type: Duplication.
Identifiers: ClinVar variation 2427385 (VCV002427385.3).